The following is an entry in ClinVar:

ClinVar aggregate classification (germline): Uncertain significance (1 of 4 stars; one submission).

Allele frequency attached by ClinVar (database versions not stated): gnomAD exomes below 0.00001.

Submission:

Labcorp Genetics (formerly Invitae), Labcorp
Classification: Uncertain significance. Last evaluated: 2022-08-05. Review status: criteria provided, single submitter. Criteria: Invitae Variant Classification Sherloc (09022015). Collection method: clinical testing. Allele origin: germline.
Comment: In summary, the available evidence is currently insufficient to determine the role of this variant in disease. Therefore, it has been classified as a Variant of Uncertain Significance. Algorithms developed to predict the effect of missense changes on protein structure and function are either unavailable or do not agree on the potential impact of this missense change (SIFT: "Tolerated"; PolyPhen-2: "Possibly Damaging"; Align-GVGD: "Class C0"). This variant has not been reported in the literature in individuals affected with ATP13A3-related conditions. This variant is not present in population databases (gnomAD no frequency). This sequence change replaces serine, which is neutral and polar, with cysteine, which is neutral and slightly polar, at codon 167 of the ATP13A3 protein (p.Ser167Cys).

NM_001367549.1(ATP13A3):c.500C>G (p.Ser167Cys)

Gene: ATP13A3 (ATPase 13A3; minus strand). Cytogenetic location: 3q29.
Variant type: single nucleotide variant.
Coding change: c.500C>G on transcript NM_001367549.1 (MANE Select); coding-DNA position 500, C replaced by G.
Protein change: p.Ser167Cys; replaces serine 167 with cysteine.
Molecular consequence: missense variant. On other transcripts: non-coding transcript variant (2), intron variant (1).
Genome position (GRCh38, 1-based): chr3:194,457,154, G>C on the plus strand (C>G on the coding strand, the complement: ATP13A3 is on the minus strand). VCF-style: chr3-194457154-G-C. GRCh37 (hg19) VCF-style: chr3-194177883-G-C.
Other names: c.500C>G, p.Ser167Cys (NM_024524.4); c.480-1192C>G (NM_001374836.1); short protein forms S167C.
Identifiers: ClinVar variation 2021612 (VCV002021612.4), dbSNP rs1719290386, ClinGen allele CA355813779.